The following continues an entry in ClinVar:

NM_007294.4(BRCA1):c.3711A>G (p.Ile1237Met)

ClinVar aggregate classification (germline): Conflicting classifications of pathogenicity. Uncertain significance (9); Benign (1); Likely benign (4).

Submissions 14 to 18 of 18:

Clinical and Functional Genomics Group, A.C.Camargo Cancer Center
Classification: Uncertain significance for Breast Cancer. Review status: criteria provided, single submitter. Criteria: Silva et al. (BMC Med Genet. 2014). Collection method: research. Allele origin: germline. Affected: yes.

Department of Medical and Surgical Sciences, University of Bologna
Classification: Benign for Breast-ovarian cancer, familial, susceptibility to, 1. Last evaluated: 2023-09-01. Review status: no assertion criteria provided. Collection method: clinical testing. Allele origin: germline. Affected: yes. Not counted in ClinVar's aggregate classification.
Comment: BS3(Strong)+BP1(Strong) according to ACMG/AMP classification guidelines specified for BRCA1 & BRCA2 (Classification Criteria V1.0.0 2023-09-08) (PMID: 38160042)

Genetic Services Laboratory, University of Chicago
Classification: Uncertain significance. Last evaluated: 2022-08-23. Review status: no assertion criteria provided. Collection method: clinical testing. Allele origin: germline. Affected: no. Not counted in ClinVar's aggregate classification.
Comment: DNA sequence analysis of the BRCA1 gene demonstrated a sequence change, c.3711A>G, in exon 10 that results in an amino acid change, p.Ile1237Met. This sequence change has been previously described in individuals with personal and/or family history of breast and/or ovarian cancer, colorectal cancer and papillary serous carcinoma of the peritoneum and (PMID: 10728699, 24884479, 25896959, 27062684). This sequence change has been described in the gnomAD database in one individual which corresponds to a population frequency of 0.0004% (dbSNP rs80357388). The p.Ile1237Met change affects a poorly conserved amino acid residue located in a domain of the BRCA1 protein that is known to be functional. The p.Ile1237Met substitution appears to be benign using several in-silico pathogenicity prediction tools (SIFT, PolyPhen2, Align GVGD, REVEL). Due to insufficient evidences and the lack of functional studies, the clinical significance of the p.Ile1237Met change remains unknown at this time.

Breast Cancer Information Core (BIC) (BRCA1)
Classification: Uncertain significance for Breast-ovarian cancer, familial 1. Last evaluated: 2004-11-25. Review status: no assertion criteria provided. Collection method: clinical testing. Allele origin: germline. Affected: yes. Observed: 1 variant allele. Not counted in ClinVar's aggregate classification.

Department of Pathology and Laboratory Medicine, Sinai Health System
Classification: Uncertain significance for Malignant tumor of breast. Review status: no assertion criteria provided. Collection method: clinical testing. Allele origin: unknown. Affected: yes. Observed: 1 variant allele. Study: The Canadian Open Genetics Repository (COGR). Not counted in ClinVar's aggregate classification.
Comment: The p.Ile1237Met variant was not identified in the literature. The variant was identified in dbSNP (ID: rs80357388) â€šÃ„ÃºWith Uncertain significance alleleâ€šÃ„Ã¹, the ClinVar database (classified with uncertain significance by Ambry Genetics), the BIC database (1X with unknown clinical importance), and UMD (1X as an unclassified variant).The variant occurs outside of the splicing consensus sequence and in silico or computational prediction software programs (SpliceSiteFinder, MaxEntScan, NNSPLICE, GeneSplicer, HumanSpliceFinder) do not predict a difference in splicing. However, this information is not predictive enough to rule out pathogenicity. The p.Ile1237 residue is not conserved in mammals and the variant methionine (Met) is present in dog, increasing the likelihood this variant doesn't have clinical significance. Computational analyses (PolyPhen-2, SIFT, AlignGVGD, BLOSUM, MutationTaster) do not suggest a high likelihood of impact to the protein. However, this information is not predictive enough to rule out pathogenicity. In summary, based on the above information, the clinical significance of this variant cannot be determined with certainty at this time. This variant is classified as a variant of unknown significance.

Literature cited by the submitters: PubMed 10728699 (cited by 3 submitters); PubMed 24884479 (cited by 3 submitters); PubMed 25896959 (cited by 3 submitters); PubMed 27062684 (cited by 3 submitters); PubMed 32546644 (cited by Labcorp Genetics (formerly Invitae), Labcorp and Women's Health and Genetics/Laboratory Corporation of America, LabCorp); PubMed 28857155 (cited by Women's Health and Genetics/Laboratory Corporation of America, LabCorp); PubMed 23469205 (cited by Clinical and Functional Genomics Group, A.C.Camargo Cancer Center).